The following is an entry in ClinVar:

NM_006361.6(HOXB13):c.721A>G (p.Ile241Val)

Gene: HOXB13 (homeobox B13; minus strand). Cytogenetic location: 17q21.32.
Variant type: single nucleotide variant.
Coding change: c.721A>G on transcript NM_006361.6 (MANE Select); coding-DNA position 721, A replaced by G.
Protein change: p.Ile241Val; replaces isoleucine 241 with valine.
Molecular consequence: missense variant.
Genome position (GRCh38, 1-based): chr17:48,726,924, T>C on the plus strand (A>G on the coding strand, the complement: HOXB13 is on the minus strand). VCF-style: chr17-48726924-T-C. GRCh37 (hg19) VCF-style: chr17-46804286-T-C.
Other names: short protein forms I241V.
Identifiers: ClinVar variation 3225546 (VCV003225546.1), dbSNP rs2509513064, ClinGen allele CA400106320.

ClinVar aggregate classification (germline): Uncertain significance (1 of 4 stars; one submission).

Conditions:
Hereditary cancer-predisposing syndrome. Also called: Neoplastic Syndromes, Hereditary; Tumor predisposition; Hereditary neoplastic syndrome; Hereditary Cancer Syndrome. Identifiers: Orphanet 140162, MedGen C0027672, MeSH D009386, MONDO:0015356.

Allele frequency attached by ClinVar (database versions not stated): gnomAD exomes below 0.00001.
gnomAD v4.1: 1 of 1,613,994 alleles (0.000062%); highest among the groups gnomAD compares: Non-Finnish European, 0.000085%; no homozygotes.

Submission:

Ambry Genetics
Classification: Uncertain significance for Hereditary cancer-predisposing syndrome. Last evaluated: 2023-11-17. Review status: criteria provided, single submitter. Criteria: Ambry Variant Classification Scheme 2023. Collection method: clinical testing. Allele origin: germline.
Comment: The p.I241V variant (also known as c.721A>G), located in coding exon 2 of the HOXB13 gene, results from an A to G substitution at nucleotide position 721. The isoleucine at codon 241 is replaced by valine, an amino acid with highly similar properties. This amino acid position is conserved. In addition, the in silico prediction for this alteration is inconclusive. Since supporting evidence is limited at this time, the clinical significance of this alteration remains unclear.